The following is an entry in ClinVar:

NM_018669.6(WDR4):c.453+8G>T

Gene: WDR4 (WD repeat domain 4; minus strand). Cytogenetic location: 21q22.3.
Variant type: single nucleotide variant.
Coding change: c.453+8G>T on transcript NM_018669.6 (MANE Select); 8 bases into the intron after coding-DNA position 453, G replaced by T.
Molecular consequence: intron variant.
Genome position (GRCh38, 1-based): chr21:42,863,432, C>A on the plus strand (G>T on the coding strand, the complement: WDR4 is on the minus strand). VCF-style: chr21-42863432-C-A. GRCh37 (hg19) VCF-style: chr21-44283542-C-A.
Other names: c.453+8G>T (NM_033661.5, NM_001260474.2); c.15+8G>T (NM_001260476.2, NM_001260475.2, NM_001260477.2).
Identifiers: ClinVar variation 3336334 (VCV003336334.1).

ClinVar aggregate classification (germline): Uncertain significance (1 of 4 stars; one submission).

Submission:

Women's Health and Genetics/Laboratory Corporation of America, LabCorp
Classification: Uncertain significance. Last evaluated: 2024-05-28. Review status: criteria provided, single submitter. Criteria: LabCorp Variant Classification Summary - May 2015. Collection method: clinical testing. Allele origin: germline.
Comment: Variant summary: WDR4 c.453+8G>T alters a conserved nucleotide located close to a canonical splice site and therefore could affect mRNA splicing, leading to a significantly altered protein sequence. Consensus agreement among computation tools predict no significant impact on normal splicing. However, these predictions have yet to be confirmed by functional studies. The variant was absent in 247988 control chromosomes (gnomAD). The available data on variant occurrences in the general population are insufficient to allow any conclusion about variant significance. To our knowledge, no occurrence of c.453+8G>T in individuals affected with WDR4-Related Disorders and no experimental evidence demonstrating its impact on protein function have been reported. No submitters have cited clinical-significance assessments for this variant to ClinVar. Based on the evidence outlined above, the variant was classified as uncertain significance.